The following is an entry in ClinVar:

NM_006397.3(RNASEH2A):c.716G>A (p.Arg239His)

Gene: RNASEH2A (ribonuclease H2 subunit A; plus strand). Cytogenetic location: 19p13.13.
Variant type: single nucleotide variant.
Coding change: c.716G>A on transcript NM_006397.3 (MANE Select); coding-DNA position 716, G replaced by A.
Protein change: p.Arg239His; replaces arginine 239 with histidine.
Molecular consequence: missense variant.
Genome position (GRCh38, 1-based): chr19:12,813,161, G>A. VCF-style: chr19-12813161-G-A. GRCh37 (hg19) VCF-style: chr19-12923975-G-A.
Other names: short protein forms R239H.
Identifiers: ClinVar variation 4155002 (VCV004155002.2).

ClinVar aggregate classification (germline): Uncertain significance. Review status: criteria provided, multiple submitters, no conflicts (2 of 4 stars). 2 submissions from 2 submitters: Uncertain significance (2). Last evaluated 2025-07-14.

Conditions:
Aicardi-Goutieres syndrome 4. Identifiers: Orphanet 51, MedGen C1835912, MONDO:0012472, OMIM 610333.
Inborn genetic diseases. Identifiers: MedGen C0950123, MeSH D030342.

Submissions (2):

Ambry Genetics
Classification: Uncertain significance for Inborn genetic diseases. Last evaluated: 2025-07-14. Review status: criteria provided, single submitter. Criteria: Ambry Variant Classification Scheme 2023. Collection method: clinical testing. Allele origin: germline.

Labcorp Genetics (formerly Invitae), Labcorp
Classification: Uncertain significance for Aicardi-Goutieres syndrome 4. Last evaluated: 2025-06-29. Review status: criteria provided, single submitter. Criteria: Invitae Variant Classification Sherloc (09022015). Collection method: clinical testing. Allele origin: germline.
Comment: This sequence change replaces arginine, which is basic and polar, with histidine, which is basic and polar, at codon 239 of the RNASEH2A protein (p.Arg239His). This variant is present in population databases (no rsID available, gnomAD 0.007%). This variant has not been reported in the literature in individuals affected with RNASEH2A-related conditions. Invitae Evidence Modeling of protein sequence and biophysical properties (such as structural, functional, and spatial information, amino acid conservation, physicochemical variation, residue mobility, and thermodynamic stability) indicates that this missense variant is not expected to disrupt RNASEH2A protein function with a negative predictive value of 80%. In summary, the available evidence is currently insufficient to determine the role of this variant in disease. Therefore, it has been classified as a Variant of Uncertain Significance.